The following is an entry in ClinVar:

NM_018417.6(ADCY10):c.147A>C (p.Ser49=)

Genes: ADCY10 (adenylate cyclase 10; minus strand), DCAF6 (DDB1 and CUL4 associated factor 6; plus strand). Cytogenetic location: 1q24.2.
Variant type: single nucleotide variant.
Coding change: c.147A>C on transcript NM_018417.6 (MANE Select); coding-DNA position 147, A replaced by C.
Protein change: p.Ser49=; no amino-acid change (serine 49 retained).
Molecular consequence: synonymous variant. On other transcripts: 5 prime UTR variant (1), intron variant (1).
Genome position (GRCh38, 1-based): chr1:167,904,994, T>G on the plus strand (A>C on the coding strand, the complement: ADCY10 is on the minus strand). VCF-style: chr1-167904994-T-G. GRCh37 (hg19) VCF-style: chr1-167874232-T-G.
Other names: c.-167A>C (NM_001297772.2); c.-62-2940A>C (NM_001167749.3).
Identifiers: ClinVar variation 1416848 (VCV001416848.8), dbSNP rs376787544, ClinGen allele CA1228400.

ClinVar aggregate classification (germline): Uncertain significance (1 of 4 stars; one submission).

Allele frequency attached by ClinVar (database versions not stated): gnomAD 0.00009 and 0.00010; TOPMed 0.00009; gnomAD exomes 0.00012; ESP Exome Variant Server 0.00015; ExAC 0.00021.
gnomAD v4.1: 153 of 1,614,086 alleles (0.0095%); highest among the groups gnomAD compares: Non-Finnish European, 0.012%; no homozygotes.

Submission:

Labcorp Genetics (formerly Invitae), Labcorp
Classification: Uncertain significance. Last evaluated: 2025-03-25. Review status: criteria provided, single submitter. Criteria: Invitae Variant Classification Sherloc (09022015). Collection method: clinical testing. Allele origin: germline.
Comment: This sequence change affects codon 49 of the ADCY10 mRNA. It is a 'silent' change, meaning that it does not change the encoded amino acid sequence of the ADCY10 protein. It affects a nucleotide within the consensus splice site. This variant is present in population databases (rs376787544, gnomAD 0.02%). This variant has not been reported in the literature in individuals affected with ADCY10-related conditions. ClinVar contains an entry for this variant (Variation ID: 1416848). Algorithms developed to predict the effect of sequence changes on RNA splicing suggest that this variant may disrupt the consensus splice site. In summary, the available evidence is currently insufficient to determine the role of this variant in disease. Therefore, it has been classified as a Variant of Uncertain Significance.